The following is an entry in ClinVar:

ClinVar aggregate classification (germline): Uncertain significance (1 of 4 stars; one submission).

Submission:

Labcorp Genetics (formerly Invitae), Labcorp
Classification: Uncertain significance. Last evaluated: 2024-10-23. Review status: criteria provided, single submitter. Criteria: Invitae Variant Classification Sherloc (09022015). Collection method: clinical testing. Allele origin: germline.
Comment: This sequence change replaces alanine, which is neutral and non-polar, with valine, which is neutral and non-polar, at codon 513 of the SNRNP200 protein (p.Ala513Val). This variant is not present in population databases (gnomAD no frequency). This missense change has been observed in individual(s) with clinical features of SNRNP200-related conditions (internal data). ClinVar contains an entry for this variant (Variation ID: 849378). Invitae Evidence Modeling of protein sequence and biophysical properties (such as structural, functional, and spatial information, amino acid conservation, physicochemical variation, residue mobility, and thermodynamic stability) has been performed for this missense variant. However, the output from this modeling did not meet the statistical confidence thresholds required to predict the impact of this variant on SNRNP200 protein function. In summary, the available evidence is currently insufficient to determine the role of this variant in disease. Therefore, it has been classified as a Variant of Uncertain Significance.

NM_014014.5(SNRNP200):c.1538C>T (p.Ala513Val)

Gene: SNRNP200 (small nuclear ribonucleoprotein U5 subunit 200; minus strand). Cytogenetic location: 2q11.2.
Variant type: single nucleotide variant.
Coding change: c.1538C>T on transcript NM_014014.5 (MANE Select); coding-DNA position 1538, C replaced by T.
Protein change: p.Ala513Val; replaces alanine 513 with valine.
Molecular consequence: missense variant.
Genome position (GRCh38, 1-based): chr2:96,296,669, G>A on the plus strand (C>T on the coding strand, the complement: SNRNP200 is on the minus strand). VCF-style: chr2-96296669-G-A. GRCh37 (hg19) VCF-style: chr2-96962407-G-A.
Other names: short protein forms A513V.
Identifiers: ClinVar variation 849378 (VCV000849378.7), dbSNP rs2063918980, ClinGen allele CA347682330.